The following is an entry in ClinVar:

NM_001649.4(SHROOM2):c.3991G>T (p.Ala1331Ser)

Gene: SHROOM2 (shroom family member 2; plus strand). Cytogenetic location: Xp22.2.
Variant type: single nucleotide variant.
Coding change: c.3991G>T on transcript NM_001649.4 (MANE Select); coding-DNA position 3991, G replaced by T.
Protein change: p.Ala1331Ser; replaces alanine 1331 with serine.
Molecular consequence: missense variant.
Genome position (GRCh38, 1-based): chrX:9,937,537, G>T. VCF-style: chrX-9937537-G-T. GRCh37 (hg19) VCF-style: chrX-9905577-G-T.
Other names: c.496G>T, p.Ala166Ser (NM_001320663.2, NM_001320664.2); short protein forms A1331S, A166S.
Identifiers: ClinVar variation 3047916 (VCV003047916.2), dbSNP rs760570884, ClinGen allele CA10345869.

ClinVar aggregate classification (germline): Likely benign (0 of 4 stars; one submission).

Conditions:
SHROOM2-related disorder. Also called: SHROOM2-related condition.

Allele frequency attached by ClinVar (database versions not stated): gnomAD exomes 0.00006; gnomAD 0.00013; TOPMed 0.00015; ExAC 0.00034.
gnomAD v4.1: 83 of 1,210,220 alleles (0.0069%); highest among the groups gnomAD compares: East Asian, 0.23%; no homozygotes.

Submission:

PreventionGenetics, part of Exact Sciences
Classification: Likely benign for SHROOM2-related condition. Last evaluated: 2022-03-23. Review status: no assertion criteria provided. Collection method: clinical testing. Allele origin: germline.
Comment: This variant is classified as likely benign based on ACMG/AMP sequence variant interpretation guidelines (Richards et al. 2015 PMID: 25741868, with internal and published modifications).